The following is an entry in ClinVar:

ClinVar aggregate classification (germline): Uncertain significance (1 of 4 stars; one submission).

Allele frequency attached by ClinVar (database versions not stated): gnomAD 0.00001.
gnomAD v4.1: 1 of 1,603,708 alleles (0.000062%); highest among the groups gnomAD compares: East Asian, 0.0022%; no homozygotes.

Submission:

Labcorp Genetics (formerly Invitae), Labcorp
Classification: Uncertain significance. Last evaluated: 2022-05-20. Review status: criteria provided, single submitter. Criteria: Invitae Variant Classification Sherloc (09022015). Collection method: clinical testing. Allele origin: germline.
Comment: This sequence change replaces aspartic acid, which is acidic and polar, with glutamic acid, which is acidic and polar, at codon 258 of the GPR45 protein (p.Asp258Glu). This variant is present in population databases (no rsID available, gnomAD 0.01%). This variant has not been reported in the literature in individuals affected with GPR45-related conditions. Algorithms developed to predict the effect of missense changes on protein structure and function are either unavailable or do not agree on the potential impact of this missense change (SIFT: "Deleterious"; PolyPhen-2: "Benign"; Align-GVGD: "Class C35"). In summary, the available evidence is currently insufficient to determine the role of this variant in disease. Therefore, it has been classified as a Variant of Uncertain Significance.

NM_007227.3(GPR45):c.774C>A (p.Asp258Glu)

Gene: GPR45 (G protein-coupled receptor 45; plus strand). Cytogenetic location: 2q12.1.
Variant type: single nucleotide variant.
Coding change: c.774C>A on transcript NM_007227.3 (MANE Select); coding-DNA position 774, C replaced by A.
Protein change: p.Asp258Glu; replaces aspartic acid 258 with glutamic acid.
Molecular consequence: missense variant.
Genome position (GRCh38, 1-based): chr2:105,242,632, C>A. VCF-style: chr2-105242632-C-A. GRCh37 (hg19) VCF-style: chr2-105859089-C-A.
Other names: short protein forms D258E.
Identifiers: ClinVar variation 1994036 (VCV001994036.4), dbSNP rs768416385, ClinGen allele CA348101194.
Genomic context (GRCh38, chr2:105,242,632, plus strand): 5'-GCGGCAGCTCACCAGGGCGGGCCTGCGGCGCCTGCAGCGGCAGCAACAGGTCAGCGTGGA[C>A]TTGAGCTTCAAGACCAAGGCCTTCACCACCATCCTGATCCTCTTCGTGGGCTTCTCCCTC-3'
Protein context (NP_009158.3, residues 248-268): RLQRQQQVSV[Asp258Glu]LSFKTKAFTT